The following is an entry in ClinVar:

ClinVar aggregate classification (germline): Benign. Review status: reviewed by expert panel (3 of 4 stars). 32 submissions from 32 submitters: Benign (1). 31 of the submissions do not count toward it. Last evaluated 2015-08-10.

Conditions:
BRCA1-related disorder. Also called: BRCA1-related condition.
BRCA1-related cancer predisposition. Identifiers: MedGen CN377757, MONDO:0700268.
Hereditary cancer-predisposing syndrome. Also called: Tumor predisposition; Neoplastic Syndromes, Hereditary; Hereditary Cancer Syndrome; Hereditary neoplastic syndrome. Identifiers: Orphanet 140162, MedGen C0027672, MeSH D009386, MONDO:0015356.
Breast and/or ovarian cancer. Identifiers: MedGen CN221562.
Breast neoplasm. Also called: Neoplasm of breast; Breast tumor; Breast Neoplasms; Neoplasm of the breast. Identifiers: MedGen C1458155, MeSH D001943, MONDO:0021100, HP:0100013. Disease mechanism: gain of function.
Hereditary breast ovarian cancer syndrome. Also called: Hereditary breast and ovarian cancer syndrome; Hereditary breast and ovarian cancer; Hereditary breast and ovarian cancer syndrome (HBOC); Hereditary breast and/or ovarian cancer syndrome; Breast and ovarian cancer; BRCA1- and BRCA2-Associated Hereditary Breast and Ovarian Cancer. Identifiers: Orphanet 145, MedGen C0677776, MeSH D061325, MONDO:0003582. Disease mechanism: loss of function.
Breast-ovarian cancer, familial, susceptibility to, 1 (BROVCA1). Also called: BRCA1 Hereditary Breast and Ovarian Cancer; OVARIAN CANCER, SUSCEPTIBILITY TO. Identifiers: Orphanet 145, MedGen C2676676, MONDO:0011450, OMIM 604370. Disease mechanism: loss of function.
Malignant tumor of breast. Also called: Cancer breast; Malignant breast neoplasm. Identifiers: MedGen C0006142, MONDO:0007254. Disease mechanism: loss of function.

Allele frequency attached by ClinVar (database versions not stated): ExAC 0.00010; TOPMed 0.00011; gnomAD 0.00012; ESP Exome Variant Server 0.00015; gnomAD exomes 0.00026 and 0.00008.
gnomAD v4.1: 393 of 1,613,936 alleles (0.024%); highest among the groups gnomAD compares: Non-Finnish European, 0.031%; no homozygotes.

Submissions 1 to 19 of 32:

Evidence-based Network for the Interpretation of Germline Mutant Alleles (ENIGMA)
Classification: Benign for Breast-ovarian cancer, familial 1. Last evaluated: 2015-08-10. Review status: reviewed by expert panel. Criteria: ENIGMA BRCA1/2 Classification Criteria (2015). Collection method: curation. Allele origin: germline.
Comment: IARC class based on posterior probability from multifactorial likelihood analysis, thresholds for class as per Plon et al. 2008 (PMID: 18951446). Class 1 based on posterior probability = 0.000000192

Labcorp Genetics (formerly Invitae), Labcorp
Classification: Benign for Hereditary breast ovarian cancer syndrome. Last evaluated: 2026-02-03. Review status: criteria provided, single submitter. Criteria: Invitae Variant Classification Sherloc (09022015). Collection method: clinical testing. Allele origin: germline. Not counted in ClinVar's aggregate classification.

CeGaT Center for Human Genetics Tuebingen
Classification: Benign. Last evaluated: 2026-02-01. Review status: criteria provided, single submitter. Criteria: CeGaT Center For Human Genetics Tuebingen Variant Classification Criteria Version 2. Collection method: clinical testing. Allele origin: germline. Affected: yes. Observed: 3 variant alleles. Not counted in ClinVar's aggregate classification.
Comment: BRCA1: BS3:Supporting, BS1, BS2

Center for Genomic Medicine, Rigshospitalet, Copenhagen University Hospital
Classification: Benign. Last evaluated: 2025-03-04. Review status: criteria provided, single submitter. Criteria: ACMG Guidelines, 2015. Collection method: clinical testing. Allele origin: germline. Not counted in ClinVar's aggregate classification.

Blueprint Genetics
Classification: Likely benign. Last evaluated: 2024-11-12. Review status: criteria provided, single submitter. Criteria: ACMG Guidelines, 2015. Collection method: clinical testing. Allele origin: germline. Not counted in ClinVar's aggregate classification.

All of Us Research Program, National Institutes of Health
Classification: Likely benign for BRCA1-related cancer predisposition. Last evaluated: 2024-08-08. Review status: criteria provided, single submitter. Criteria: ACMG Guidelines, 2015. Collection method: clinical testing. Allele origin: germline. Inheritance: Autosomal dominant inheritance. Observed: 51 variant alleles, 51 heterozygotes. Not counted in ClinVar's aggregate classification.
Comment: This study involves interpretation of variants in research participants for the purpose of population health screening. Participant phenotype was not available at the time of variant classification. Additional details can be found in publication PMID: 35346344, PMCID: PMC8962531

CHEO Genetics Diagnostic Laboratory, Children's Hospital of Eastern Ontario
Classification: Likely benign for Breast and/or ovarian cancer. Last evaluated: 2023-06-30. Review status: criteria provided, single submitter. Criteria: ACMG Guidelines, 2015. Collection method: clinical testing. Allele origin: germline. Not counted in ClinVar's aggregate classification.

Sema4
Classification: Likely benign for Hereditary cancer-predisposing syndrome. Last evaluated: 2021-01-04. Review status: criteria provided, single submitter. Criteria: Sema4 Curation Guidelines. Collection method: curation. Allele origin: germline. Not counted in ClinVar's aggregate classification.

Mendelics
Classification: Benign for Breast-ovarian cancer, familial, susceptibility to, 1. Last evaluated: 2019-05-28. Review status: criteria provided, single submitter. Criteria: Mendelics Assertion Criteria 2017. Collection method: clinical testing. Allele origin: unknown. Not counted in ClinVar's aggregate classification.

Illumina Laboratory Services, Illumina
Classification: Likely benign for Breast-ovarian cancer, familial, susceptibility to, 1. Last evaluated: 2019-03-08. Review status: criteria provided, single submitter. Criteria: ICSL Variant Classification Criteria 13 December 2019. Collection method: clinical testing. Allele origin: germline. Not counted in ClinVar's aggregate classification.
Comment: This variant was observed as part of a predisposition screen in an ostensibly healthy population. A literature search was performed for the gene, cDNA change, and amino acid change (where applicable). Publications were found based on this search. The evidence from the literature, in combination with allele frequency data from public databases where available, was sufficient to determine this variant is unlikely to cause disease. Therefore, this variant is classified as likely benign.

ARUP Laboratories, Molecular Genetics and Genomics, ARUP Laboratories
Classification: Benign. Last evaluated: 2018-12-04. Review status: criteria provided, single submitter. Criteria: ARUP Molecular Germline Variant Investigation Process. Collection method: clinical testing. Allele origin: germline. Not counted in ClinVar's aggregate classification.

Genome Diagnostics Laboratory, University Medical Center Utrecht
Classification: Likely benign for Breast-ovarian cancer, familial, susceptibility to, 1. Last evaluated: 2017-07-28. Review status: criteria provided, single submitter. Criteria: ACGS Guidelines, 2013. Collection method: clinical testing. Allele origin: germline. Affected: yes. Study: VKGL Data-share Consensus. Not counted in ClinVar's aggregate classification.

Eurofins Ntd Llc (ga)
Classification: Uncertain significance. Last evaluated: 2017-05-15. Review status: criteria provided, single submitter. Criteria: EGL Classification Definitions 2015. Collection method: clinical testing. Allele origin: germline. Observed: 1 variant allele, 1 heterozygote. Not counted in ClinVar's aggregate classification.

Genetic Services Laboratory, University of Chicago
Classification: Likely benign. Last evaluated: 2017-05-12. Review status: criteria provided, single submitter. Criteria: ACMG Guidelines, 2015. Collection method: clinical testing. Allele origin: germline. Affected: no. Not counted in ClinVar's aggregate classification.

Laboratory for Molecular Medicine, Mass General Brigham Personalized Medicine
Classification: Uncertain significance. Last evaluated: 2016-06-16. Review status: criteria provided, single submitter. Criteria: LMM Criteria. Collection method: clinical testing. Allele origin: germline. Not counted in ClinVar's aggregate classification.
Comment: Variant identified in a genome or exome case(s) and assessed due to predicted null impact of the variant or pathogenic assertions in the literature or databases. Disclaimer: This variant has not undergone full assessment. The following are preliminary notes: Multiple papers describe as VUS; ClinVar: 5 B/LB, 3 VUS

Molecular Genetics Laboratory, University of Michigan
Classification: Benign for Breast-ovarian cancer, familial, susceptibility to, 1. Last evaluated: 2016-04-21. Review status: criteria provided, single submitter. Criteria: ACMG Guidelines, 2015. Collection method: clinical testing. Allele origin: germline. Affected: yes. Not counted in ClinVar's aggregate classification.

Fulgent Genetics
Classification: Likely benign for Breast-ovarian cancer, familial, susceptibility to, 1. Last evaluated: 2015-10-01. Review status: criteria provided, single submitter. Criteria: ACMG Guidelines, 2015. Collection method: clinical testing. Allele origin: unknown. Inheritance: Autosomal dominant inheritance. Not counted in ClinVar's aggregate classification.

Clinical Genetics DNA and cytogenetics Diagnostics Lab, Erasmus MC, Erasmus Medical Center
Classification: Benign for Breast-ovarian cancer, familial, susceptibility to, 1. Last evaluated: 2015-09-21. Review status: criteria provided, single submitter. Criteria: ACGS Guidelines, 2013. Collection method: clinical testing. Allele origin: germline. Affected: yes. Study: VKGL Data-share Consensus. Not counted in ClinVar's aggregate classification.

Color Diagnostics, LLC DBA Color Health
Classification: Likely benign for Hereditary cancer-predisposing syndrome. Last evaluated: 2015-01-02. Review status: criteria provided, single submitter. Criteria: ACMG Guidelines, 2015. Collection method: clinical testing. Allele origin: germline. Not counted in ClinVar's aggregate classification.

NM_007294.4(BRCA1):c.2315T>C (p.Val772Ala)

Gene: BRCA1 (BRCA1 DNA repair associated; minus strand). Cytogenetic location: 17q21.31.
Variant type: single nucleotide variant.
Coding change: c.2315T>C on transcript NM_007294.4 (MANE Select); coding-DNA position 2315, T replaced by C.
Protein change: p.Val772Ala; replaces valine 772 with alanine.
Molecular consequence: missense variant. On other transcripts: intron variant (137).
Genome position (GRCh38, 1-based): chr17:43,093,216, A>G on the plus strand (T>C on the coding strand, the complement: BRCA1 is on the minus strand). VCF-style: chr17-43093216-A-G. GRCh37 (hg19) VCF-style: chr17-41245233-A-G.
Other names: p.V772A:GTA>GCA; 2434T>C; c.2102T>C, p.Val701Ala (NM_001407571.1, NM_001407915.1, NM_001407916.1 and 9 more transcripts); c.2315T>C, p.Val772Ala (NM_001407581.1, NM_001407582.1, NM_001407583.1 and 30 more transcripts); c.2312T>C, p.Val771Ala (NM_001407587.1, NM_001407590.1, NM_001407591.1 and 22 more transcripts); c.2237T>C, p.Val746Ala (NM_001407655.1, NM_001407656.1, NM_001407657.1 and 4 more transcripts); c.2234T>C, p.Val745Ala (NM_001407659.1, NM_001407660.1, NM_001407661.1 and 1 more transcripts); c.2192T>C, p.Val731Ala (NM_001407674.1, NM_001407675.1, NM_001407676.1 and 19 more transcripts); and 43 more; short protein forms V772A, V725A, V476A, V684A, V702A, V724A, V731A, V771A.
Identifiers: ClinVar variation 41809 (VCV000041809.88), dbSNP rs80357467, ClinGen allele CA001545.